The following is an entry in ClinVar:

NM_014975.3(MAST1):c.4031C>A (p.Pro1344Gln)

Gene: MAST1 (microtubule associated serine/threonine kinase 1; plus strand). Cytogenetic location: 19p13.13.
Variant type: single nucleotide variant.
Coding change: c.4031C>A on transcript NM_014975.3 (MANE Select); coding-DNA position 4031, C replaced by A.
Protein change: p.Pro1344Gln; replaces proline 1344 with glutamine.
Molecular consequence: missense variant.
Genome position (GRCh38, 1-based): chr19:12,874,188, C>A. VCF-style: chr19-12874188-C-A. GRCh37 (hg19) VCF-style: chr19-12985002-C-A.
Other names: c.4031C>A (NM_014975.2); short protein forms P1344Q.
Identifiers: ClinVar variation 2172892 (VCV002172892.10), dbSNP rs202006530, ClinGen allele CA9233509.

ClinVar aggregate classification (germline): Benign/Likely benign. Review status: criteria provided, multiple submitters, no conflicts (2 of 4 stars). 3 submissions from 3 submitters: Benign (1); Likely benign (1). 1 of the submissions does not count toward it. Last evaluated 2026-03-01.

Conditions:
MAST1-related disorder. Also called: MAST1-related condition.

Allele frequency attached by ClinVar (database versions not stated): ExAC 0.00008; ESP Exome Variant Server 0.00074; 1000 Genomes Project 0.00100; gnomAD 0.00107; 1000 Genomes Project 30x 0.00109; TOPMed 0.00122.
gnomAD v4.1: 342 of 1,542,316 alleles (0.022%); highest among the groups gnomAD compares: African/African-American, 0.39%; 1 homozygote.

Submissions (3):

CeGaT Center for Human Genetics Tuebingen
Classification: Likely benign. Last evaluated: 2026-03-01. Review status: criteria provided, single submitter. Criteria: CeGaT Center For Human Genetics Tuebingen Variant Classification Criteria Version 2. Collection method: clinical testing. Allele origin: germline. Affected: yes. Observed: 1 variant allele.
Comment: MAST1: BS1

Labcorp Genetics (formerly Invitae), Labcorp
Classification: Benign. Last evaluated: 2025-08-27. Review status: criteria provided, single submitter. Criteria: Invitae Variant Classification Sherloc (09022015). Collection method: clinical testing. Allele origin: germline.

PreventionGenetics, part of Exact Sciences
Classification: Likely benign for MAST1-related condition. Last evaluated: 2022-05-27. Review status: no assertion criteria provided. Collection method: clinical testing. Allele origin: germline. Not counted in ClinVar's aggregate classification.
Comment: This variant is classified as likely benign based on ACMG/AMP sequence variant interpretation guidelines (Richards et al. 2015 PMID: 25741868, with internal and published modifications).